The following is an entry in ClinVar:

NM_022437.3(ABCG8):c.1549T>C (p.Trp517Arg)

Gene: ABCG8 (ATP binding cassette subfamily G member 8; plus strand). Cytogenetic location: 2p21.
Variant type: single nucleotide variant.
Coding change: c.1549T>C on transcript NM_022437.3 (MANE Select); coding-DNA position 1549, T replaced by C.
Protein change: p.Trp517Arg; replaces tryptophan 517 with arginine.
Molecular consequence: missense variant.
Genome position (GRCh38, 1-based): chr2:43,875,206, T>C. VCF-style: chr2-43875206-T-C. GRCh37 (hg19) VCF-style: chr2-44102345-T-C.
Other names: c.1546T>C, p.Trp516Arg (NM_001357321.2); short protein forms W517R, W516R.
Identifiers: ClinVar variation 597854 (VCV000597854.13), dbSNP rs142165666, ClinGen allele CA1637540.
Genomic context (GRCh38, chr2:43,875,206, plus strand): 5'-ATCCTCGGGGAGCTTCCGGAGCACTGTGCCTACATCATCATCTACGGGATGCCCACCTAC[T>C]GGCTGGCCAACCTGAGGCCAGGCCTCCAGCCCTTCCTGCTGCACTTCCTGCTGGTGTGGC-3'
Protein context (NP_071882.1, residues 507-527): YIIIYGMPTY[Trp517Arg]LANLRPGLQP

ClinVar aggregate classification (germline): Uncertain significance. Review status: criteria provided, multiple submitters, no conflicts (2 of 4 stars). 6 submissions from 6 submitters: Uncertain significance (6). Last evaluated 2026-02-01.

Conditions:
Cardiovascular phenotype. Identifiers: MedGen CN230736.
Sitosterolemia 1. Identifiers: MedGen C2749759, MONDO:0020747, OMIM 210250.

Allele frequency attached by ClinVar (database versions not stated): gnomAD exomes 0.00004; ExAC 0.00007; gnomAD 0.00011 and 0.00013; TOPMed 0.00016; ESP Exome Variant Server 0.00031; 1000 Genomes Project 0.00060; 1000 Genomes Project 30x 0.00062.
gnomAD v4.1: 34 of 1,614,268 alleles (0.0021%); highest among the groups gnomAD compares: African/African-American, 0.027%; no homozygotes.

Submissions (6):

Labcorp Genetics (formerly Invitae), Labcorp
Classification: Uncertain significance. Last evaluated: 2026-02-01. Review status: criteria provided, single submitter. Criteria: Invitae Variant Classification Sherloc (09022015). Collection method: clinical testing. Allele origin: germline.
Comment: This sequence change replaces tryptophan, which is neutral and slightly polar, with arginine, which is basic and polar, at codon 517 of the ABCG8 protein (p.Trp517Arg). This variant is present in population databases (rs142165666, gnomAD 0.04%). This variant has not been reported in the literature in individuals affected with ABCG8-related conditions. ClinVar contains an entry for this variant (Variation ID: 597854). Invitae Evidence Modeling of protein sequence and biophysical properties (such as structural, functional, and spatial information, amino acid conservation, physicochemical variation, residue mobility, and thermodynamic stability) has been performed for this missense variant. However, the output from this modeling did not meet the statistical confidence thresholds required to predict the impact of this variant on ABCG8 protein function. In summary, the available evidence is currently insufficient to determine the role of this variant in disease. Therefore, it has been classified as a Variant of Uncertain Significance.

Ambry Genetics
Classification: Uncertain significance for Cardiovascular phenotype. Last evaluated: 2025-08-30. Review status: criteria provided, single submitter. Criteria: Ambry Variant Classification Scheme 2023. Collection method: clinical testing. Allele origin: germline.

Revvity Omics, Revvity
Classification: Uncertain significance for Sitosterolemia 1. Last evaluated: 2024-09-12. Review status: criteria provided, single submitter. Criteria: ACMG Guidelines, 2015. Collection method: clinical testing. Allele origin: germline.

New York Genome Center
Classification: Uncertain significance for Sitosterolemia 1. Last evaluated: 2022-04-15. Review status: criteria provided, single submitter. Criteria: NYGC Assertion Criteria 2020. Collection method: clinical testing. Allele origin: germline. Observed: 1 heterozygote.

Mayo Clinic Laboratories, Mayo Clinic
Classification: Uncertain significance. Last evaluated: 2019-08-03. Review status: criteria provided, single submitter. Criteria: ACMG Guidelines, 2015. Collection method: clinical testing. Allele origin: germline. Observed: 1 variant allele.

Eurofins Ntd Llc (ga)
Classification: Uncertain significance. Last evaluated: 2018-06-28. Review status: criteria provided, single submitter. Criteria: EGL ClinVar v180209 classification definitions. Collection method: clinical testing. Allele origin: germline. Observed: 1 variant allele, 1 heterozygote.